The following is an entry in ClinVar:

NM_001001480.3(KRTAP5-5):c.128_129insGGGCTGTGGCTC (p.Gly46_Gly47insSerGlyCysGly)

Gene: KRTAP5-5 (keratin associated protein 5-5; plus strand). Cytogenetic location: 11p15.5.
Variant type: Insertion.
Coding change: c.128_129insGGGCTGTGGCTC on transcript NM_001001480.3 (MANE Select); coding-DNA positions 128 to 129, GGGCTGTGGCTC inserted.
Protein change: p.Gly46_Gly47insSerGlyCysGly.
Molecular consequence: inframe insertion.
Genome position: GRCh38 VCF-style: chr11-1629968-G-GGGGCTGTGGCTC. GRCh37 (hg19) VCF-style: chr11-1651198-G-GGGGCTGTGGCTC.
Identifiers: ClinVar variation 2641349 (VCV002641349.24), dbSNP rs778993095, ClinGen allele CA5813417.

ClinVar aggregate classification (germline): Likely benign (1 of 4 stars; one submission).

Allele frequency attached by ClinVar (database versions not stated): ExAC 0.00024.

Submission:

CeGaT Center for Human Genetics Tuebingen
Classification: Likely benign. Last evaluated: 2023-01-01. Review status: criteria provided, single submitter. Criteria: CeGaT Center For Human Genetics Tuebingen Variant Classification Criteria Version 2. Collection method: clinical testing. Allele origin: germline. Affected: yes. Observed: 1 variant allele.
Comment: KRTAP5-5: BS2